The following is an entry in ClinVar:

ClinVar aggregate classification (germline): Uncertain significance. Review status: criteria provided, multiple submitters, no conflicts (2 of 4 stars). 3 submissions from 3 submitters: Uncertain significance (2). 1 of the submissions does not count toward it. Last evaluated 2024-07-29.

Conditions:
Cardiovascular phenotype. Identifiers: MedGen CN230736.
Alstrom syndrome (ALMS). Identifiers: Orphanet 64, MedGen C0268425, MONDO:0008763, OMIM 203800.

Allele frequency attached by ClinVar (database versions not stated): gnomAD exomes below 0.00001 and 0.00002; ExAC 0.00002; gnomAD 0.00002; TOPMed 0.00004; ESP Exome Variant Server 0.00008.
gnomAD v4.1: 10 of 1,614,034 alleles (0.00062%); highest among the groups gnomAD compares: African/African-American, 0.012%; no homozygotes.

Submissions (3):

Labcorp Genetics (formerly Invitae), Labcorp
Classification: Uncertain significance for Alstrom syndrome. Last evaluated: 2024-07-29. Review status: criteria provided, single submitter. Criteria: Invitae Variant Classification Sherloc (09022015). Collection method: clinical testing. Allele origin: germline.
Comment: This sequence change replaces glutamine, which is neutral and polar, with glutamic acid, which is acidic and polar, at codon 897 of the ALMS1 protein (p.Gln897Glu). This variant is present in population databases (rs376834704, gnomAD 0.03%). This variant has not been reported in the literature in individuals affected with ALMS1-related conditions. ClinVar contains an entry for this variant (Variation ID: 555676). Experimental studies and prediction algorithms are not available or were not evaluated, and the functional significance of this variant is currently unknown. In summary, the available evidence is currently insufficient to determine the role of this variant in disease. Therefore, it has been classified as a Variant of Uncertain Significance.

Ambry Genetics
Classification: Uncertain significance for Cardiovascular phenotype. Last evaluated: 2022-03-17. Review status: criteria provided, single submitter. Criteria: Ambry Variant Classification Scheme 2023. Collection method: clinical testing. Allele origin: germline.
Comment: The p.Q897E variant (also known as c.2689C>G), located in coding exon 8 of the ALMS1 gene, results from a C to G substitution at nucleotide position 2689. The glutamine at codon 897 is replaced by glutamic acid, an amino acid with highly similar properties. This amino acid position is highly conserved in available vertebrate species. In addition, this alteration is predicted to be tolerated by in silico analysis. Since supporting evidence is limited at this time, the clinical significance of this alteration remains unclear.

Counsyl
Classification: Uncertain significance for Alstrom syndrome. Last evaluated: 2017-12-27. Review status: no assertion criteria provided. Collection method: clinical testing. Allele origin: unknown. Not counted in ClinVar's aggregate classification.

NM_001378454.1(ALMS1):c.2686C>G (p.Gln896Glu)

Gene: ALMS1 (ALMS1 centrosome and basal body associated protein; plus strand). Cytogenetic location: 2p13.1.
Variant type: single nucleotide variant.
Coding change: c.2686C>G on transcript NM_001378454.1 (MANE Select); coding-DNA position 2686, C replaced by G.
Protein change: p.Gln896Glu; replaces glutamine 896 with glutamic acid.
Molecular consequence: missense variant.
Genome position (GRCh38, 1-based): chr2:73,449,213, C>G. VCF-style: chr2-73449213-C-G. GRCh37 (hg19) VCF-style: chr2-73676340-C-G.
Other names: c.2689C>G, p.Gln897Glu (NM_015120.4); short protein forms Q897E, Q896E.
Identifiers: ClinVar variation 555676 (VCV000555676.6), dbSNP rs376834704, ClinGen allele CA1713400.